The following is an entry in ClinVar:

ClinVar aggregate classification (germline): Benign/Likely benign. Review status: criteria provided, multiple submitters, no conflicts (2 of 4 stars). 7 submissions from 7 submitters: Benign (1); Likely benign (5). 1 of the submissions does not count toward it. Last evaluated 2025-11-12.

Conditions:
SFTPB-related disorder. Also called: SFTPB-related condition.
Hereditary pulmonary alveolar proteinosis. Also called: Pulmonary surfactant metabolism dysfunction. Identifiers: Orphanet 264675, MedGen C3711368, MONDO:0012580.
Surfactant metabolism dysfunction, pulmonary, 1. Also called: INTERSTITIAL LUNG DISEASE DUE TO SURFACTANT PROTEIN B DEFICIENCY; INTERSTITIAL LUNG DISEASE, NONSPECIFIC, DUE TO SURFACTANT PROTEIN B DEFICIENCY; PULMONARY ALVEOLAR PROTEINOSIS, CONGENITAL, 1; Pulmonary surfactant protein B, deficiency of; Neonatal acute respiratory distress due to SP-B deficiency. Identifiers: Orphanet 217563, MedGen C1968602, MONDO:0009929, OMIM 265120.

Allele frequency attached by ClinVar (database versions not stated): gnomAD exomes 0.00029 and 0.00070; ExAC 0.00092; 1000 Genomes Project 0.00220; gnomAD 0.00236 and 0.00264; 1000 Genomes Project 30x 0.00250; TOPMed 0.00258; ESP Exome Variant Server 0.00292.
gnomAD v4.1: 803 of 1,614,180 alleles (0.05%); highest among the groups gnomAD compares: African/African-American, 0.77%; 3 homozygotes.

Submissions (7):

Labcorp Genetics (formerly Invitae), Labcorp
Classification: Likely benign. Last evaluated: 2025-11-12. Review status: criteria provided, single submitter. Criteria: Invitae Variant Classification Sherloc (09022015). Collection method: clinical testing. Allele origin: germline.

Blueprint Genetics
Classification: Likely benign. Last evaluated: 2024-05-03. Review status: criteria provided, single submitter. Criteria: ACMG Guidelines, 2015. Collection method: clinical testing. Allele origin: germline.

CeGaT Center for Human Genetics Tuebingen
Classification: Likely benign. Last evaluated: 2023-08-01. Review status: criteria provided, single submitter. Criteria: CeGaT Center For Human Genetics Tuebingen Variant Classification Criteria Version 2. Collection method: clinical testing. Allele origin: germline. Affected: yes. Observed: 1 variant allele.
Comment: SFTPB: BP4, BS2

Ambry Genetics
Classification: Benign for Hereditary pulmonary alveolar proteinosis. Last evaluated: 2019-11-25. Review status: criteria provided, single submitter. Criteria: Ambry Variant Classification Scheme 2023. Collection method: clinical testing. Allele origin: germline.

Eurofins Ntd Llc (ga)
Classification: Likely benign. Last evaluated: 2018-05-07. Review status: criteria provided, single submitter. Criteria: EGL ClinVar v180209 classification definitions. Collection method: clinical testing. Allele origin: germline. Observed: 1 variant allele, 1 heterozygote.

Illumina Laboratory Services, Illumina
Classification: Likely benign for Surfactant metabolism dysfunction, pulmonary, 1. Last evaluated: 2018-01-13. Review status: criteria provided, single submitter. Criteria: ICSL Variant Classification Criteria 13 December 2019. Collection method: clinical testing. Allele origin: germline.
Comment: This variant was observed in the ICSL laboratory as part of a predisposition screen in an ostensibly healthy population. It had not been previously curated by ICSL or reported in the Human Gene Mutation Database (HGMD: prior to June 1st, 2018), and was therefore a candidate for classification through an automated scoring system. Utilizing variant allele frequency, disease prevalence and penetrance estimates, and inheritance mode, an automated score was calculated to assess if this variant is too frequent to cause the disease. Based on the score and internal cut-off values, a variant classified as likely benign is not then subjected to further curation. The score for this variant resulted in a classification of likely benign for this disease.

PreventionGenetics, part of Exact Sciences
Classification: Benign for SFTPB-related condition. Last evaluated: 2019-07-16. Review status: no assertion criteria provided. Collection method: clinical testing. Allele origin: germline. Not counted in ClinVar's aggregate classification.
Comment: This variant is classified as benign based on ACMG/AMP sequence variant interpretation guidelines (Richards et al. 2015 PMID: 25741868, with internal and published modifications).

NM_000542.5(SFTPB):c.526C>T (p.Leu176Phe)

Gene: SFTPB (surfactant protein B; minus strand). Cytogenetic location: 2p11.2.
Variant type: single nucleotide variant.
Coding change: c.526C>T on transcript NM_000542.5 (MANE Select); coding-DNA position 526, C replaced by T.
Protein change: p.Leu176Phe; replaces leucine 176 with phenylalanine.
Molecular consequence: missense variant.
Genome position (GRCh38, 1-based): chr2:85,665,662, G>A on the plus strand (C>T on the coding strand, the complement: SFTPB is on the minus strand). VCF-style: chr2-85665662-G-A. GRCh37 (hg19) VCF-style: chr2-85892785-G-A.
Other names: c.526C>T, p.Leu176Phe (NM_001367281.2, NM_198843.4); short protein forms L176F.
Identifiers: ClinVar variation 596954 (VCV000596954.44), dbSNP rs3024801, ClinGen allele CA1744017.